The following is an entry in ClinVar:

NM_015459.5(ATL3):c.764C>T (p.Ser255Leu)

Genes: ATL3 (atlastin GTPase 3; minus strand), LNCROPM (lncRNA regulator of PLAAT3 mediated phospholipid metabolism; plus strand). Cytogenetic location: 11q13.1.
Variant type: single nucleotide variant.
Coding change: c.764C>T on transcript NM_015459.5 (MANE Select); coding-DNA position 764, C replaced by T.
Protein change: p.Ser255Leu; replaces serine 255 with leucine.
Molecular consequence: missense variant.
Genome position (GRCh38, 1-based): chr11:63,643,443, G>A on the plus strand (C>T on the coding strand, the complement: ATL3 is on the minus strand). VCF-style: chr11-63643443-G-A. GRCh37 (hg19) VCF-style: chr11-63410915-G-A.
Other names: c.710C>T, p.Ser237Leu (NM_001290048.2); short protein forms S237L, S255L.
Identifiers: ClinVar variation 3707298 (VCV003707298.2).

ClinVar aggregate classification (germline): Uncertain significance (1 of 4 stars; one submission).

Conditions:
Neuropathy, hereditary sensory, type 1F. Also called: HSN IF; Hereditary sensory neuropathy type IF. Identifiers: Orphanet 36386, MedGen C3810194, MONDO:0014286, OMIM 615632.

Submission:

Labcorp Genetics (formerly Invitae), Labcorp
Classification: Uncertain significance for Neuropathy, hereditary sensory, type 1F. Last evaluated: 2024-04-01. Review status: criteria provided, single submitter. Criteria: Invitae Variant Classification Sherloc (09022015). Collection method: clinical testing. Allele origin: germline.
Comment: This sequence change replaces serine, which is neutral and polar, with leucine, which is neutral and non-polar, at codon 255 of the ATL3 protein (p.Ser255Leu). This variant is present in population databases (no rsID available, gnomAD 0.003%). This variant has not been reported in the literature in individuals affected with ATL3-related conditions. Advanced modeling of protein sequence and biophysical properties (such as structural, functional, and spatial information, amino acid conservation, physicochemical variation, residue mobility, and thermodynamic stability) performed at Invitae indicates that this missense variant is expected to disrupt ATL3 protein function with a positive predictive value of 80%. In summary, the available evidence is currently insufficient to determine the role of this variant in disease. Therefore, it has been classified as a Variant of Uncertain Significance.